The following is an entry in ClinVar:

NM_001211.6(BUB1B):c.2954C>T (p.Ser985Phe)

Genes: BUB1B (BUB1 mitotic checkpoint serine/threonine kinase B; plus strand), BUB1B-PAK6 (BUB1B-PAK6 readthrough; plus strand). Cytogenetic location: 15q15.1.
Variant type: single nucleotide variant.
Coding change: c.2954C>T on transcript NM_001211.6 (MANE Select); coding-DNA position 2954, C replaced by T.
Protein change: p.Ser985Phe; replaces serine 985 with phenylalanine.
Molecular consequence: missense variant. On other transcripts: intron variant (2).
Genome position (GRCh38, 1-based): chr15:40,218,559, C>T. VCF-style: chr15-40218559-C-T. GRCh37 (hg19) VCF-style: chr15-40510760-C-T.
Other names: c.-201+892C>T (NM_001128628.3); c.-118+892C>T (NM_001128629.3); short protein forms S985F.
Identifiers: ClinVar variation 1798093 (VCV001798093.2), dbSNP rs2542587943, ClinGen allele CA391688414.

ClinVar aggregate classification (germline): Uncertain significance (1 of 4 stars; one submission).

Conditions:
Inborn genetic diseases. Identifiers: MedGen C0950123, MeSH D030342.

Submission:

Ambry Genetics
Classification: Uncertain significance for Inborn genetic diseases. Last evaluated: 2022-01-21. Review status: criteria provided, single submitter. Criteria: Ambry Variant Classification Scheme 2023. Collection method: clinical testing. Allele origin: germline.
Comment: The p.S985F variant (also known as c.2954C>T), located in coding exon 22 of the BUB1B gene, results from a C to T substitution at nucleotide position 2954. The serine at codon 985 is replaced by phenylalanine, an amino acid with highly dissimilar properties. This amino acid position is conserved. In addition, the in silico prediction for this alteration is inconclusive. Since supporting evidence is limited at this time, the clinical significance of this alteration remains unclear.